The following is an entry in ClinVar:

NM_017849.4(TMEM127):c.469C>T (p.Gln157Ter)

Gene: TMEM127 (transmembrane protein 127; minus strand). Cytogenetic location: 2q11.2.
Variant type: single nucleotide variant.
Coding change: c.469C>T on transcript NM_017849.4 (MANE Select); coding-DNA position 469, C replaced by T.
Protein change: p.Gln157Ter; replaces glutamine 157 with a stop codon.
Molecular consequence: nonsense.
Genome position (GRCh38, 1-based): chr2:96,254,056, G>A on the plus strand (C>T on the coding strand, the complement: TMEM127 is on the minus strand). VCF-style: chr2-96254056-G-A. GRCh37 (hg19) VCF-style: chr2-96919794-G-A.
Other names: c.469C>T, p.Gln157Ter (NM_001193304.3); short protein forms Q157*.
Identifiers: ClinVar variation 463849 (VCV000463849.20), dbSNP rs780133289, ClinGen allele CA1777299.

ClinVar aggregate classification (germline): Pathogenic/Likely pathogenic. Review status: criteria provided, multiple submitters, no conflicts (2 of 4 stars). 5 submissions from 5 submitters: Pathogenic (4); Likely pathogenic (1). Last evaluated 2026-07-29.

Conditions:
Hereditary cancer-predisposing syndrome. Also called: Neoplastic Syndromes, Hereditary; Tumor predisposition; Hereditary neoplastic syndrome; Hereditary Cancer Syndrome. Identifiers: Orphanet 140162, MedGen C0027672, MeSH D009386, MONDO:0015356.
Hereditary pheochromocytoma and paraganglioma. Also called: Hereditary Paraganglioma-Pheochromocytoma Syndromes; Hereditary paragangliomas and pheochromocytomas; Hereditary pheochromocytoma-paraganglioma. Identifiers: Orphanet 29072, MedGen C4274332, MONDO:0017366.
Pheochromocytoma. Also called: MAX-Related Hereditary Paraganglioma-Pheochromocytoma Syndrome. Identifiers: Orphanet 29072, MedGen C0031511, MONDO:0008233, OMIM 171300, HP:0002666.

Allele frequency attached by ClinVar (database versions not stated): gnomAD exomes below 0.00001 and 0.00001; ExAC 0.00002; gnomAD 0.00001; TOPMed 0.00001.

Submissions (5):

GeneDx
Classification: Likely pathogenic. Last evaluated: 2026-07-29. Review status: criteria provided, single submitter. Criteria: GeneDx Variant Classification Process June 2021. Collection method: clinical testing. Allele origin: germline.
Comment: Nonsense variant predicted to result in protein truncation, as the last 82 amino acid(s) are lost, and other loss-of-function variants have been reported downstream in HGMD; Not observed at significant frequency in large population cohorts (gnomAD); This variant is associated with the following publications: (PMID: 33051659, 29625052, 22517554, 36451132, 22419703, 21156949)

Myriad Genetics, Inc.
Classification: Pathogenic for Hereditary pheochromocytoma and paraganglioma. Last evaluated: 2026-04-24. Review status: criteria provided, single submitter. Criteria: Myriad Autosomal Dominant, Autosomal Recessive and X-Linked Classification Criteria (2023). Collection method: clinical testing. Allele origin: unknown.
Comment: This variant is considered pathogenic. This variant creates a termination codon and is predicted to result in premature protein truncation.

Ambry Genetics
Classification: Pathogenic for Hereditary cancer-predisposing syndrome. Last evaluated: 2026-03-18. Review status: criteria provided, single submitter. Criteria: Ambry Variant Classification Scheme 2023. Collection method: clinical testing. Allele origin: germline.
Comment: The c.469C>T (p.Q157*) alteration, located in exon 4 (coding exon 3) of the TMEM127 gene, consists of a C to T substitution at nucleotide position 469. This changes the amino acid from a glutamine (Q) to a stop codon at amino acid position 157. This alteration occurs at the 3' terminus of the TMEM127 gene, is not expected to trigger nonsense-mediated mRNA decay, and impacts the last 82 amino acids (34%) of the protein. However, premature stop codons are typically deleterious in nature and a significant portion of the protein is affected (Ambry internal data). Based on data from gnomAD, the T allele has an overall frequency of 0.001% (3/282840) total alleles studied. The highest observed frequency was 0.002% (3/129178) of European (non-Finnish) alleles. This alteration has been reported in one of 642 unrelated patients with pheochromocytoma (PCC) and/or paraganglioma (PGL) who did not carry mutations in major PCC susceptibility genes (Abermil, 2012). Based on the available evidence, this alteration is classified as pathogenic.

Labcorp Genetics (formerly Invitae), Labcorp
Classification: Pathogenic for Hereditary pheochromocytoma and paraganglioma. Last evaluated: 2025-10-07. Review status: criteria provided, single submitter. Criteria: Invitae Variant Classification Sherloc (09022015). Collection method: clinical testing. Allele origin: germline.
Comment: This sequence change creates a premature translational stop signal (p.Gln157*) in the TMEM127 gene. While this is not anticipated to result in nonsense mediated decay, it is expected to disrupt the last 82 amino acid(s) of the TMEM127 protein. This variant is present in population databases (rs780133289, gnomAD 0.002%). This premature translational stop signal has been observed in individuals with pheochromocytoma (PMID: 22419703; internal data). ClinVar contains an entry for this variant (Variation ID: 463849). This variant disrupts a region of the TMEM127 protein in which other variant(s) (p.Gln159*) have been determined to be pathogenic (PMID: 20154675; internal data). This suggests that this is a clinically significant region of the protein, and that variants that disrupt it are likely to be disease-causing. For these reasons, this variant has been classified as Pathogenic.

Baylor Genetics
Classification: Pathogenic for Pheochromocytoma. Last evaluated: 2022-12-16. Review status: criteria provided, single submitter. Criteria: ACMG Guidelines, 2015. Collection method: clinical testing. Allele origin: unknown.

Literature cited by the submitters: PubMed 22419703 (cited by Ambry Genetics and Labcorp Genetics (formerly Invitae), Labcorp); PubMed 20154675 (cited by Labcorp Genetics (formerly Invitae), Labcorp).